The following is an entry in ClinVar:

ClinVar aggregate classification (germline): Uncertain significance (1 of 4 stars; one submission).

Allele frequency attached by ClinVar (database versions not stated): gnomAD exomes below 0.00001.
gnomAD v4.1: 4 of 1,612,974 alleles (0.00025%); highest among the groups gnomAD compares: Non-Finnish European, 0.00034%; no homozygotes.

Submission:

GeneDx
Classification: Uncertain significance. Last evaluated: 2019-06-06. Review status: criteria provided, single submitter. Criteria: GeneDx Variant Classification Process June 2021. Collection method: clinical testing. Allele origin: germline. Affected: yes.
Comment: Not observed at a significant frequency in large population cohorts (Lek et al., 2016); In silico analysis, which includes protein predictors and evolutionary conservation, supports a deleterious effect; Has not been previously published as pathogenic or benign to our knowledge

NM_004820.5(CYP7B1):c.1505A>G (p.Tyr502Cys)

Gene: CYP7B1 (cytochrome P450 family 7 subfamily B member 1; minus strand). Cytogenetic location: 8q12.3.
Variant type: single nucleotide variant.
Coding change: c.1505A>G on transcript NM_004820.5 (MANE Select); coding-DNA position 1505, A replaced by G.
Protein change: p.Tyr502Cys; replaces tyrosine 502 with cysteine.
Molecular consequence: missense variant. On other transcripts: intron variant (1).
Genome position (GRCh38, 1-based): chr8:64,596,658, T>C on the plus strand (A>G on the coding strand, the complement: CYP7B1 is on the minus strand). VCF-style: chr8-64596658-T-C. GRCh37 (hg19) VCF-style: chr8-65509215-T-C.
Other names: c.1234-6814A>G (NM_001324112.2); short protein forms Y502C.
Identifiers: ClinVar variation 1306314 (VCV001306314.2), dbSNP rs1390285601, ClinGen allele CA371333024.